The following is an entry in ClinVar:

ClinVar aggregate classification (germline): Uncertain significance (1 of 4 stars; one submission).

Conditions:
Primary ciliary dyskinesia. Also called: Ciliary dyskinesia. Identifiers: Orphanet 244, MedGen C0008780, MONDO:0016575, HP:0012265.

Submission:

Labcorp Genetics (formerly Invitae), Labcorp
Classification: Uncertain significance for Primary ciliary dyskinesia. Last evaluated: 2021-08-28. Review status: criteria provided, single submitter. Criteria: Invitae Variant Classification Sherloc (09022015). Collection method: clinical testing. Allele origin: germline.
Comment: This sequence change replaces aspartic acid with glycine at codon 4174 of the DNAH5 protein (p.Asp4174Gly). The aspartic acid residue is highly conserved and there is a moderate physicochemical difference between aspartic acid and glycine. This variant is not present in population databases (ExAC no frequency). This variant has not been reported in the literature in individuals affected with DNAH5-related conditions. Algorithms developed to predict the effect of missense changes on protein structure and function are either unavailable or do not agree on the potential impact of this missense change (SIFT: "Deleterious"; PolyPhen-2: "Possibly Damaging"; Align-GVGD: "Class C0"). In summary, the available evidence is currently insufficient to determine the role of this variant in disease. Therefore, it has been classified as a Variant of Uncertain Significance.

NM_001369.3(DNAH5):c.12521A>G (p.Asp4174Gly)

Gene: DNAH5 (dynein axonemal heavy chain 5; minus strand). Cytogenetic location: 5p15.2.
Variant type: single nucleotide variant.
Coding change: c.12521A>G on transcript NM_001369.3 (MANE Select); coding-DNA position 12521, A replaced by G.
Protein change: p.Asp4174Gly; replaces aspartic acid 4174 with glycine.
Molecular consequence: missense variant.
Genome position (GRCh38, 1-based): chr5:13,717,499, T>C on the plus strand (A>G on the coding strand, the complement: DNAH5 is on the minus strand). VCF-style: chr5-13717499-T-C. GRCh37 (hg19) VCF-style: chr5-13717608-T-C.
Other names: short protein forms D4174G.
Identifiers: ClinVar variation 525284 (VCV000525284.6), dbSNP rs1554020311, ClinGen allele CA359208347.
Genomic context (GRCh38, chr5:13,717,499, plus strand): 5'-GTGGAGTGCAGGAAAGCCACTGCGTACAGCATGGGCTTCCACTGGGACCCAGAGCTCACG[T>C]CCAGCAGGTCTTGGCTGACACCTGTTGTGGTCAGTTGGGTGAAAAATGTATCATCTCTCA-3'
Protein context (NP_001360.1, residues 4164-4184): TYSGVSQDLL[Asp4174Gly]VSSGSQWKPM